The following is an entry in ClinVar:

NM_181552.4(CUX1):c.1533A>G (p.Pro511=)

Gene: CUX1 (cut like homeobox 1; plus strand). Cytogenetic location: 7q22.1.
Variant type: single nucleotide variant.
Coding change: c.1533A>G on transcript NM_181552.4 (MANE Select); coding-DNA position 1533, A replaced by G.
Protein change: p.Pro511=; no amino-acid change (proline 511 retained).
Molecular consequence: synonymous variant. On other transcripts: intron variant (5).
Genome position (GRCh38, 1-based): chr7:102,196,944, A>G. VCF-style: chr7-102196944-A-G. GRCh37 (hg19) VCF-style: chr7-101840224-A-G.
Other names: c.1566A>G, p.Pro522= (NM_001202543.2); c.1255+1341A>G (NM_001913.5); c.1249+1341A>G (NM_181500.4); c.1117+1341A>G (NM_001202545.3); c.1207+1341A>G (NM_001202544.3); c.1138+1341A>G (NM_001202546.3).
Identifiers: ClinVar variation 4987456 (VCV004987456.1).
Genomic context (GRCh38, chr7:102,196,944, plus strand): 5'-CTTCTACTCCAAGGCTATGCAGGAAGCCGGAAGCACAAGCATGATTTTTTCAACAGGTCC[A>G]TACAGCACAAACTCCATATCTTCCCAAAGTCCATTACAACAAAGCCCAGATGTCAATGGC-3'
Protein context (NP_853530.2, residues 501-521): GSTSMIFSTG[Pro511=]YSTNSISSQS

ClinVar aggregate classification (germline): Likely benign (1 of 4 stars; one submission).

Conditions:
CUX1-related disorder. Also called: CUX1-related condition.

gnomAD v4.1: 5 of 1,614,240 alleles (0.00031%); highest among the groups gnomAD compares: Non-Finnish European, 0.00042%; no homozygotes.

Submission:

PreventionGenetics, part of Exact Sciences
Classification: Likely benign for CUX1-related condition. Last evaluated: 2025-12-10. Review status: criteria provided, single submitter. Criteria: ACMG Guidelines, 2015. Collection method: clinical testing. Allele origin: germline.
Comment: This variant is classified as likely benign based on ACMG/AMP sequence variant interpretation guidelines (Richards et al. 2015 PMID: 25741868, with internal and published modifications).